The following is an entry in ClinVar:

ClinVar aggregate classification (germline): Uncertain significance (1 of 4 stars; one submission).

Conditions:
Peroxisome biogenesis disorder 7A (Zellweger). Also called: Peroxisome biogenesis disorder 7A. Identifiers: Orphanet 912, MedGen C3888385, MONDO:0013938, OMIM 614872.
Peroxisome biogenesis disorder 7B (PBD7B). Identifiers: Orphanet 44, MedGen C3553951, MONDO:0013939, OMIM 614873.

Allele frequency attached by ClinVar (database versions not stated): gnomAD exomes below 0.00001.

Submission:

Labcorp Genetics (formerly Invitae), Labcorp
Classification: Uncertain significance for Peroxisome biogenesis disorder 7A (Zellweger); Peroxisome biogenesis disorder 7B. Last evaluated: 2022-07-25. Review status: criteria provided, single submitter. Criteria: Invitae Variant Classification Sherloc (09022015). Collection method: clinical testing. Allele origin: germline.
Comment: This variant has not been reported in the literature in individuals affected with PEX26-related conditions. In summary, the available evidence is currently insufficient to determine the role of this variant in disease. Therefore, it has been classified as a Variant of Uncertain Significance. Algorithms developed to predict the effect of sequence changes on RNA splicing suggest that this variant may create or strengthen a splice site. Algorithms developed to predict the effect of missense changes on protein structure and function are either unavailable or do not agree on the potential impact of this missense change (SIFT: "Deleterious"; PolyPhen-2: "Benign"; Align-GVGD: "Class C0"). ClinVar contains an entry for this variant (Variation ID: 1375426). This variant is present in population databases (no rsID available, gnomAD 0.003%). This sequence change replaces threonine, which is neutral and polar, with isoleucine, which is neutral and non-polar, at codon 7 of the PEX26 protein (p.Thr7Ile).

NM_001127649.3(PEX26):c.20C>T (p.Thr7Ile)

Genes: PEX26 (peroxisomal biogenesis factor 26; plus strand), LOC130066940 (ATAC-STARR-seq lymphoblastoid silent region 13448; plus strand). Cytogenetic location: 22q11.21.
Variant type: single nucleotide variant.
Coding change: c.20C>T on transcript NM_001127649.3 (MANE Select); coding-DNA position 20, C replaced by T.
Protein change: p.Thr7Ile; replaces threonine 7 with isoleucine.
Molecular consequence: missense variant.
Genome position (GRCh38, 1-based): chr22:18,078,396, C>T. VCF-style: chr22-18078396-C-T. GRCh37 (hg19) VCF-style: chr22-18561162-C-T.
Other names: c.20C>T, p.Thr7Ile (NM_001199319.2, NM_017929.6); short protein forms T7I.
Identifiers: ClinVar variation 1375426 (VCV001375426.6), dbSNP rs1273090730, ClinGen allele CA410264080.